The following is an entry in ClinVar:

ClinVar aggregate classification (germline): Conflicting classifications of pathogenicity. Review status: criteria provided, conflicting classifications (1 of 4 stars). 2 submissions from 2 submitters: Uncertain significance (1); Likely benign (1). Last evaluated 2025-10-28.

Conditions:
Inborn genetic diseases. Identifiers: MedGen C0950123, MeSH D030342.
Amyotrophic lateral sclerosis type 1 (ALS1). Also called: AMYOTROPHIC LATERAL SCLEROSIS 1, FAMILIAL. Identifiers: Orphanet 803, MedGen C1862939, MONDO:0007103, OMIM 105400.
Perry syndrome. Also called: PARKINSONISM WITH ALVEOLAR HYPOVENTILATION AND MENTAL DEPRESSION. Identifiers: Orphanet 178509, MedGen C1868594, MONDO:0008201, OMIM 168605.
Neuronopathy, distal hereditary motor, type 7B. Also called: NEURONOPATHY, DISTAL HEREDITARY MOTOR, AUTOSOMAL DOMINANT 14; NEURONOPATHY, DISTAL HEREDITARY MOTOR, HARDING TYPE VIIB; NEUROPATHY, DISTAL HEREDITARY MOTOR, HARDING TYPE VIIB; NEUROPATHY, DISTAL HEREDITARY MOTOR, WITH VOCAL CORD PARALYSIS, HARDING TYPE VIIB; Distal Hereditary Motor Neuronopathy Type 7B (dHMN7B); HMN VIIB. Identifiers: Orphanet 139589, MedGen C1843315, MONDO:0011879, OMIM 607641.

Allele frequency attached by ClinVar (database versions not stated): gnomAD exomes below 0.00001.
gnomAD v4.1: 1 of 1,614,198 alleles (0.000062%); highest among the groups gnomAD compares: African/African-American, 0.0013%; no homozygotes.

Submissions (2):

Ambry Genetics
Classification: Likely benign for Inborn genetic diseases. Last evaluated: 2025-10-28. Review status: criteria provided, single submitter. Criteria: Ambry Variant Classification Scheme 2023. Collection method: clinical testing. Allele origin: germline.

Labcorp Genetics (formerly Invitae), Labcorp
Classification: Uncertain significance for Amyotrophic lateral sclerosis type 1; Neuronopathy, distal hereditary motor, type 7B; Perry syndrome. Last evaluated: 2024-03-07. Review status: criteria provided, single submitter. Criteria: Invitae Variant Classification Sherloc (09022015). Collection method: clinical testing. Allele origin: germline.
Comment: This sequence change replaces asparagine, which is neutral and polar, with serine, which is neutral and polar, at codon 894 of the DCTN1 protein (p.Asn894Ser). This variant is not present in population databases (gnomAD no frequency). This variant has not been reported in the literature in individuals affected with DCTN1-related conditions. ClinVar contains an entry for this variant (Variation ID: 1400346). Advanced modeling of protein sequence and biophysical properties (such as structural, functional, and spatial information, amino acid conservation, physicochemical variation, residue mobility, and thermodynamic stability) performed at Invitae indicates that this missense variant is not expected to disrupt DCTN1 protein function with a negative predictive value of 80%. In summary, the available evidence is currently insufficient to determine the role of this variant in disease. Therefore, it has been classified as a Variant of Uncertain Significance.

NM_004082.5(DCTN1):c.2681A>G (p.Asn894Ser)

Gene: DCTN1 (dynactin subunit 1; minus strand). Cytogenetic location: 2p13.1.
Variant type: single nucleotide variant.
Coding change: c.2681A>G on transcript NM_004082.5 (MANE Select); coding-DNA position 2681, A replaced by G.
Protein change: p.Asn894Ser; replaces asparagine 894 with serine.
Molecular consequence: missense variant. On other transcripts: non-coding transcript variant (1).
Genome position (GRCh38, 1-based): chr2:74,366,323, T>C on the plus strand (A>G on the coding strand, the complement: DCTN1 is on the minus strand). VCF-style: chr2-74366323-T-C. GRCh37 (hg19) VCF-style: chr2-74593450-T-C.
Other names: c.2621A>G, p.Asn874Ser (NM_001135040.3); c.2279A>G, p.Asn760Ser (NM_001135041.3, NM_023019.4); c.2570A>G, p.Asn857Ser (NM_001190836.2); c.2660A>G, p.Asn887Ser (NM_001190837.2); c.2630A>G, p.Asn877Ser (NM_001378991.1); c.2612A>G, p.Asn871Ser (NM_001378992.1); c.2681A>G (NM_004082.4); short protein forms N874S, N894S, N877S, N760S, N887S, N857S, N871S.
Identifiers: ClinVar variation 1400346 (VCV001400346.7), dbSNP rs1207333910, ClinGen allele CA347343452.